The following is an entry in ClinVar:

NM_001110556.2(FLNA):c.5314-3C>T

Gene: FLNA (filamin A; minus strand). Cytogenetic location: Xq28.
Variant type: single nucleotide variant.
Coding change: c.5314-3C>T on transcript NM_001110556.2 (MANE Select); 3 bases into the intron before coding-DNA position 5314, C replaced by T.
Molecular consequence: intron variant.
Genome position (GRCh38, 1-based): chrX:154,354,486, G>A on the plus strand (C>T on the coding strand, the complement: FLNA is on the minus strand). VCF-style: chrX-154354486-G-A. GRCh37 (hg19) VCF-style: chrX-153582854-G-A.
Other names: c.5290-3C>T (NM_001456.4).
Identifiers: ClinVar variation 2932153 (VCV002932153.3), dbSNP rs2522727052, ClinGen allele CA2579737536.

ClinVar aggregate classification (germline): Uncertain significance (1 of 4 stars; one submission).

Conditions:
Oto-palato-digital syndrome, type II (OPD2). Also called: FACIOPALATOOSSEOUS SYNDROME; OPD II SYNDROME; Otopalatodigital Syndrome, Type II; Otopalatodigital Syndrome Type 2 (FLNA-OPD2). Identifiers: Orphanet 669, Orphanet 90652, MedGen C1844696, MONDO:0010571, OMIM 304120.
Heterotopia, periventricular, X-linked dominant (PVNH1). Also called: PERIVENTRICULAR NODULAR HETEROTOPIA 1; X-linked periventricular heterotopia; PERIVENTRICULAR NODULAR HETEROTOPIA 4; HETEROTOPIA, PERIVENTRICULAR, 1. Identifiers: Orphanet 2149, Orphanet 82004, MedGen C1848213, MONDO:0010233, OMIM 300049.
Frontometaphyseal dysplasia (FMD1). Identifiers: Orphanet 1826, MedGen C0265293, MONDO:0015942.
Melnick-Needles syndrome (MNS). Also called: MELNICK-NEEDLES OSTEODYSPLASTY; OSTEODYSPLASTY OF MELNICK AND NEEDLES; Melnick-Needles Syndrome (FLNA-MNS). Identifiers: Orphanet 2484, MedGen C0025237, MONDO:0010650, OMIM 309350.

Submission:

Labcorp Genetics (formerly Invitae), Labcorp
Classification: Uncertain significance for Oto-palato-digital syndrome, type II; Heterotopia, periventricular, X-linked dominant; Frontometaphyseal dysplasia; Melnick-Needles syndrome. Last evaluated: 2024-01-07. Review status: criteria provided, single submitter. Criteria: Invitae Variant Classification Sherloc (09022015). Collection method: clinical testing. Allele origin: germline.
Comment: This sequence change falls in intron 31 of the FLNA gene. It does not directly change the encoded amino acid sequence of the FLNA protein. It affects a nucleotide within the consensus splice site. This variant is not present in population databases (gnomAD no frequency). This variant has not been reported in the literature in individuals affected with FLNA-related conditions. Variants that disrupt the consensus splice site are a relatively common cause of aberrant splicing (PMID: 17576681, 9536098). Algorithms developed to predict the effect of sequence changes on RNA splicing suggest that this variant is not likely to affect RNA splicing. In summary, the available evidence is currently insufficient to determine the role of this variant in disease. Therefore, it has been classified as a Variant of Uncertain Significance.

Literature cited by the submitters: PubMed 17576681; PubMed 9536098.